The following is an entry in ClinVar:

NM_001369.3(DNAH5):c.9685A>G (p.Lys3229Glu)

Gene: DNAH5 (dynein axonemal heavy chain 5; minus strand). Cytogenetic location: 5p15.2.
Variant type: single nucleotide variant.
Coding change: c.9685A>G on transcript NM_001369.3 (MANE Select); coding-DNA position 9685, A replaced by G.
Protein change: p.Lys3229Glu; replaces lysine 3229 with glutamic acid.
Molecular consequence: missense variant.
Genome position (GRCh38, 1-based): chr5:13,769,536, T>C on the plus strand (A>G on the coding strand, the complement: DNAH5 is on the minus strand). VCF-style: chr5-13769536-T-C. GRCh37 (hg19) VCF-style: chr5-13769645-T-C.
Other names: c.9685A>G (NM_001369.2); short protein forms K3229E.
Identifiers: ClinVar variation 2149026 (VCV002149026.7), dbSNP rs561380021, ClinGen allele CA3202469.

ClinVar aggregate classification (germline): Conflicting classifications of pathogenicity. Review status: criteria provided, conflicting classifications (1 of 4 stars). 4 submissions from 4 submitters: Uncertain significance (3); Likely benign (1). Last evaluated 2024-04-25.

Conditions:
Primary ciliary dyskinesia 3. Identifiers: Orphanet 244, MedGen C1837618, MONDO:0012085, OMIM 608644.
Primary ciliary dyskinesia. Also called: Ciliary dyskinesia. Identifiers: Orphanet 244, MedGen C0008780, MONDO:0016575, HP:0012265.

Allele frequency attached by ClinVar (database versions not stated): gnomAD 0.00001; gnomAD exomes 0.00001; ExAC 0.00002; 1000 Genomes Project 30x 0.00016; 1000 Genomes Project 0.00020.
gnomAD v4.1: 14 of 1,614,110 alleles (0.00087%); highest among the groups gnomAD compares: South Asian, 0.012%; no homozygotes.

Submissions (4):

Ambry Genetics
Classification: Uncertain significance for Primary ciliary dyskinesia. Last evaluated: 2024-04-25. Review status: criteria provided, single submitter. Criteria: Ambry Variant Classification Scheme 2023. Collection method: clinical testing. Allele origin: germline.
Comment: The p.K3229E variant (also known as c.9685A>G), located in coding exon 57 of the DNAH5 gene, results from an A to G substitution at nucleotide position 9685. The lysine at codon 3229 is replaced by glutamic acid, an amino acid with similar properties. This amino acid position is conserved. In addition, the in silico prediction for this alteration is inconclusive. Based on the available evidence, the clinical significance of this variant remains unclear.

Labcorp Genetics (formerly Invitae), Labcorp
Classification: Likely benign for Primary ciliary dyskinesia. Last evaluated: 2023-05-08. Review status: criteria provided, single submitter. Criteria: Invitae Variant Classification Sherloc (09022015). Collection method: clinical testing. Allele origin: germline.

GeneDx
Classification: Uncertain significance. Last evaluated: 2022-11-03. Review status: criteria provided, single submitter. Criteria: GeneDx Variant Classification Process June 2021. Collection method: clinical testing. Allele origin: germline. Affected: yes.
Comment: In silico analysis supports that this missense variant has a deleterious effect on protein structure/function; Has not been previously published as pathogenic or benign to our knowledge

Neuberg Centre For Genomic Medicine, NCGM
Classification: Uncertain significance for Primary ciliary dyskinesia 3. Review status: criteria provided, single submitter. Criteria: ACMG Guidelines, 2015. Collection method: clinical testing. Allele origin: germline. Inheritance: Autosomal recessive inheritance. Affected: yes.
Comment: The observed missense variant c.9685A>G(p.Lys3229Glu) in DNAH5 gene has not been reported previously as a pathogenic variant nor as a benign variant, to our knowledge. The c.9685A>G variant has 0.003% allele frequency in gnomAD Exomes. This variant has been reported to the ClinVar database as Likely Benign. However, no details are available for independent assessment.The amino acid Lysine at position 3229 is changed to a Glutamic acid changing protein sequence and it might alter its composition and physico-chemical properties.The amino acid change p.Lys3229Glu in DNAH5 is predicted as conserved by GERP++ and PhyloP across 100 vertebrates.For these reasons, this variant has been classified as Uncertain Significance.